The following is an entry in ClinVar:

ClinVar aggregate classification (germline): Likely pathogenic (1 of 4 stars; one submission).

Conditions:
Acyl-CoA dehydrogenase 9 deficiency. Also called: Acyl-CoA dehydrogenase family, member 9, deficiency of; MITOCHONDRIAL COMPLEX I DEFICIENCY, NUCLEAR TYPE 20. Identifiers: Orphanet 99901, MedGen C4747517, MONDO:0012624, OMIM 611126.

Submission:

Service de Génétique Médicale, Centre Hospitalier Universitaire de Nice-Université Côte d'Azur
Classification: Likely pathogenic for Acyl-CoA dehydrogenase 9 deficiency. Last evaluated: 2024-02-27. Review status: criteria provided, single submitter. Criteria: ACMG Guidelines, 2015. Collection method: clinical testing. Allele origin: germline. Affected: yes.

Literature cited by the submitters: PubMed 38703036.

NM_014049.5(ACAD9):c.850A>G (p.Asn284Asp)

Gene: ACAD9 (acyl-CoA dehydrogenase family member 9; plus strand). Cytogenetic location: 3q21.3.
Variant type: single nucleotide variant.
Coding change: c.850A>G on transcript NM_014049.5 (MANE Select); coding-DNA position 850, A replaced by G.
Protein change: p.Asn284Asp; replaces asparagine 284 with aspartic acid.
Molecular consequence: missense variant. On other transcripts: non-coding transcript variant (1).
Genome position (GRCh38, 1-based): chr3:128,901,317, A>G. VCF-style: chr3-128901317-A-G. GRCh37 (hg19) VCF-style: chr3-128620160-A-G.
Other names: c.481A>G, p.Asn161Asp (NM_001410805.1); short protein forms N161D, N284D.
Identifiers: ClinVar variation 3776789 (VCV003776789.1).
Genomic context (GRCh38, chr3:128,901,317, plus strand): 5'-TAAATTTCATGTGTTTCAGCTTGTGAAGTCCATTTTGAAAACACCAAGATACCTGTGGAA[A>G]ACATCCTTGGAGAGGTCGGAGATGGGTTTAAGGTGAGTTGCCAGCCACAGCCCCTTGTAC-3'
Protein context (NP_054768.2, residues 274-294): HFENTKIPVE[Asn284Asp]ILGEVGDGFK